The following is an entry in ClinVar:

NM_030632.3(ASXL3):c.2160dup (p.Asp721Ter)

Gene: ASXL3 (ASXL transcriptional regulator 3; plus strand). Cytogenetic location: 18q12.1.
Variant type: Duplication.
Coding change: c.2160dup on transcript NM_030632.3 (MANE Select); coding-DNA position 2160, one base duplicated (T; older notation c.2160dupT).
Protein change: p.Asp721Ter; replaces aspartic acid 721 with a stop codon.
Molecular consequence: nonsense.
Genome position (GRCh38, 1-based): chr18:33,739,564, T duplicated. VCF-style (leftmost placement, unchanged base first): chr18-33739563-C-CT. GRCh37 (hg19) VCF-style: chr18-31319527-C-CT.
Other names: short protein forms D721*.
Identifiers: ClinVar variation 1323950 (VCV001323950.5), dbSNP rs2145414972, ClinGen allele CA2573054654.
Genomic context (GRCh38, chr18:33,739,563, plus strand): 5'-TAACATCTGAAGCATCACCAGTATCCAACTTACCTTTAACATCAGAAACCTCACCGATGT[C>CT]TGACTTACCTTTAACATCAGAAACTTCTTCAGTGTCTTCCATGCTTCTCACCTCTGAGAC-3'

ClinVar aggregate classification (germline): Pathogenic/Likely pathogenic. Review status: criteria provided, multiple submitters, no conflicts (2 of 4 stars). 2 submissions from 2 submitters: Pathogenic (1); Likely pathogenic (1). Last evaluated 2024-12-19.

Conditions:
Bainbridge-Ropers syndrome. Also called: Severe feeding difficulties-failure to thrive-microcephaly due to ASXL3 deficiency syndrome. Identifiers: Orphanet 352577, MedGen C4750837, MONDO:0014205, OMIM 615485.

Submissions (2):

3billion
Classification: Pathogenic for Bainbridge-Ropers syndrome. Last evaluated: 2024-12-19. Review status: criteria provided, single submitter. Criteria: ACMG Guidelines, 2015. Collection method: clinical testing. Allele origin: germline. Affected: yes.
Comment: The variant is not observed in the gnomAD v4.1.0 dataset. Predicted Consequence/Location: Stop-gained (nonsense): predicted to result in a loss or disruption of normal protein function through nonsense-mediated decay (NMD) or protein truncation. Multiple pathogenic variants are reported downstream of the variant. The variant has been reported to be associated with ASXL3-related disorder (ClinVar ID: VCV001323950). Therefore, this variant is classified as Pathogenic according to the recommendation of ACMG/AMP guideline.

Revvity Omics, Revvity
Classification: Likely pathogenic for Bainbridge-Ropers syndrome. Last evaluated: 2021-03-20. Review status: criteria provided, single submitter. Criteria: ACMG Guidelines, 2015. Collection method: clinical testing. Allele origin: germline.